The following is an entry in ClinVar:

ClinVar aggregate classification (germline): Uncertain significance. Review status: criteria provided, multiple submitters, no conflicts (2 of 4 stars). 2 submissions from 2 submitters: Uncertain significance (2). Last evaluated 2025-08-20.

Conditions:
Inborn genetic diseases. Identifiers: MedGen C0950123, MeSH D030342.

Submissions (2):

Ambry Genetics
Classification: Uncertain significance for Inborn genetic diseases. Last evaluated: 2025-08-20. Review status: criteria provided, single submitter. Criteria: Ambry Variant Classification Scheme 2023. Collection method: clinical testing. Allele origin: germline.
Comment: The p.S1313L variant (also known as c.3938C>T), located in coding exon 1 of the SAMD9 gene, results from a C to T substitution at nucleotide position 3938. The serine at codon 1313 is replaced by leucine, an amino acid with dissimilar properties. This amino acid position is conserved. In addition, this alteration is predicted to be tolerated by in silico analysis. Based on the available evidence, the clinical significance of this variant remains unclear.

Labcorp Genetics (formerly Invitae), Labcorp
Classification: Uncertain significance. Last evaluated: 2024-10-26. Review status: criteria provided, single submitter. Criteria: Invitae Variant Classification Sherloc (09022015). Collection method: clinical testing. Allele origin: germline.
Comment: This sequence change replaces serine, which is neutral and polar, with leucine, which is neutral and non-polar, at codon 1313 of the SAMD9 protein (p.Ser1313Leu). This variant is not present in population databases (gnomAD no frequency). This variant has not been reported in the literature in individuals affected with SAMD9-related conditions. Invitae Evidence Modeling of protein sequence and biophysical properties (such as structural, functional, and spatial information, amino acid conservation, physicochemical variation, residue mobility, and thermodynamic stability) indicates that this missense variant is not expected to disrupt SAMD9 protein function with a negative predictive value of 95%. In summary, the available evidence is currently insufficient to determine the role of this variant in disease. Therefore, it has been classified as a Variant of Uncertain Significance.

NM_017654.4(SAMD9):c.3938C>T (p.Ser1313Leu)

Gene: SAMD9 (sterile alpha motif domain containing 9; minus strand). Cytogenetic location: 7q21.2.
Variant type: single nucleotide variant.
Coding change: c.3938C>T on transcript NM_017654.4 (MANE Select); coding-DNA position 3938, C replaced by T.
Protein change: p.Ser1313Leu; replaces serine 1313 with leucine.
Molecular consequence: missense variant.
Genome position (GRCh38, 1-based): chr7:93,102,160, G>A on the plus strand (C>T on the coding strand, the complement: SAMD9 is on the minus strand). VCF-style: chr7-93102160-G-A. GRCh37 (hg19) VCF-style: chr7-92731473-G-A.
Other names: c.3938C>T, p.Ser1313Leu (NM_001193307.2); c.3938C>T (NM_017654.3); short protein forms S1313L.
Identifiers: ClinVar variation 3636730 (VCV003636730.3).
Genomic context (GRCh38, chr7:93,102,160, plus strand): 5'-CTGCATCTCTCTACTTGAAGTGGCTCACTGAACTTTGATCCAAGACCTGTGTTGTTTTGT[G>A]ATTCTTCTAAGAGACAAAATATATCTACATATTTCTTAAAATATCCAGCCACCTTTCTCC-3'
Protein context (NP_060124.2, residues 1303-1323): YVDIFCLLEE[Ser1313Leu]QNNTGLGSKF